The following is an entry in ClinVar:

ClinVar aggregate classification (germline): Uncertain significance. Review status: criteria provided, multiple submitters, no conflicts (2 of 4 stars). 2 submissions from 2 submitters: Uncertain significance (2). Last evaluated 2024-04-23.

Conditions:
Focal segmental glomerulosclerosis 5 (FSGS5). Identifiers: Orphanet 656, MedGen C2750475, MONDO:0013191, OMIM 613237.
Charcot-Marie-Tooth disease dominant intermediate E. Also called: CHARCOT-MARIE-TOOTH NEUROPATHY WITH FOCAL SEGMENTAL GLOMERULONEPHRITIS. Identifiers: Orphanet 93114, MedGen C4302667, MONDO:0013758, OMIM 614455.

Allele frequency attached by ClinVar (database versions not stated): gnomAD exomes below 0.00001; gnomAD 0.00001.
gnomAD v4.1: 5 of 1,333,742 alleles (0.00037%); highest among the groups gnomAD compares: Admixed American, 0.002%; no homozygotes.

Submissions (2):

Fulgent Genetics
Classification: Uncertain significance for Focal segmental glomerulosclerosis 5; Charcot-Marie-Tooth disease dominant intermediate E. Last evaluated: 2024-04-23. Review status: criteria provided, single submitter. Criteria: ACMG Guidelines, 2015. Collection method: clinical testing. Allele origin: germline.

Labcorp Genetics (formerly Invitae), Labcorp
Classification: Uncertain significance for Charcot-Marie-Tooth disease dominant intermediate E; Focal segmental glomerulosclerosis 5. Last evaluated: 2024-01-17. Review status: criteria provided, single submitter. Criteria: Invitae Variant Classification Sherloc (09022015). Collection method: clinical testing. Allele origin: germline.
Comment: This sequence change replaces proline, which is neutral and non-polar, with leucine, which is neutral and non-polar, at codon 489 of the INF2 protein (p.Pro489Leu). This variant is not present in population databases (gnomAD no frequency). This variant has not been reported in the literature in individuals affected with INF2-related conditions. ClinVar contains an entry for this variant (Variation ID: 1001878). Advanced modeling of protein sequence and biophysical properties (such as structural, functional, and spatial information, amino acid conservation, physicochemical variation, residue mobility, and thermodynamic stability) has been performed at Invitae for this missense variant, however the output from this modeling did not meet the statistical confidence thresholds required to predict the impact of this variant on INF2 protein function. In summary, the available evidence is currently insufficient to determine the role of this variant in disease. Therefore, it has been classified as a Variant of Uncertain Significance.

NM_022489.4(INF2):c.1466C>T (p.Pro489Leu)

Gene: INF2 (inverted formin 2; plus strand). Cytogenetic location: 14q32.33.
Variant type: single nucleotide variant.
Coding change: c.1466C>T on transcript NM_022489.4 (MANE Select); coding-DNA position 1466, C replaced by T.
Protein change: p.Pro489Leu; replaces proline 489 with leucine.
Molecular consequence: missense variant.
Genome position (GRCh38, 1-based): chr14:104,707,733, C>T. VCF-style: chr14-104707733-C-T. GRCh37 (hg19) VCF-style: chr14-105174070-C-T.
Other names: c.1466C>T, p.Pro489Leu (NM_001031714.4); short protein forms P489L.
Identifiers: ClinVar variation 1001878 (VCV001001878.10), dbSNP rs1438965620, ClinGen allele CA391217143.